The following is an entry in ClinVar:

NM_201384.3(PLEC):c.3683G>A (p.Arg1228Gln)

Gene: PLEC (plectin; minus strand). Cytogenetic location: 8q24.3.
Variant type: single nucleotide variant.
Coding change: c.3683G>A on transcript NM_201384.3 (MANE Select); coding-DNA position 3683, G replaced by A.
Protein change: p.Arg1228Gln; replaces arginine 1228 with glutamine.
Molecular consequence: missense variant.
Genome position (GRCh38, 1-based): chr8:143,927,483, C>T on the plus strand (G>A on the coding strand, the complement: PLEC is on the minus strand). VCF-style: chr8-143927483-C-T. GRCh37 (hg19) VCF-style: chr8-145001651-C-T.
Other names: c.3764G>A, p.Arg1255Gln (NM_000445.5); c.3641G>A, p.Arg1214Gln (NM_201378.4); c.3617G>A, p.Arg1206Gln (NM_201379.3); c.4094G>A, p.Arg1365Gln (NM_201380.4); c.3587G>A, p.Arg1196Gln (NM_201381.3); c.3683G>A, p.Arg1228Gln (NM_201382.4); c.3695G>A, p.Arg1232Gln (NM_201383.3); c.3764G>A (NM_000445.3); short protein forms R1206Q, R1214Q, R1232Q, R1196Q, R1228Q, R1255Q, R1365Q.
Identifiers: ClinVar variation 864619 (VCV000864619.10), dbSNP rs201347953, ClinGen allele CA4926987.
Genomic context (GRCh38, chr8:143,927,483, plus strand): 5'-AGCTGCTCCCGCACAGCCTGGCTGTCGGCCAGCGGCATGGCCTGGATCTGCTCCTGCCGC[C>T]GCCTGGCGTCCTGCAGCCAGGCGCCCAAGGGGTCTGCACTCTCGCGGTAGTAACGCAGCT-3'
Protein context (NP_958786.1, residues 1218-1238): PLGAWLQDAR[Arg1228Gln]RQEQIQAMPL

ClinVar aggregate classification (germline): Conflicting classifications of pathogenicity. Review status: criteria provided, conflicting classifications (1 of 4 stars). 3 submissions from 3 submitters: Uncertain significance (2); Likely benign (1). Last evaluated 2026-09-18.

Conditions:
PLEC-related disorder. Also called: PLEC-related condition; PLEC-related disorders.
Autosomal recessive limb-girdle muscular dystrophy type 2Q (LGMDR17). Also called: MUSCULAR DYSTROPHY, LIMB-GIRDLE, AUTOSOMAL RECESSIVE 17. Identifiers: Orphanet 254361, MedGen C3150989, MONDO:0013390, OMIM 613723.
Epidermolysis bullosa simplex, Ogna type (EBS5A). Also called: Pidermolysis bullosa simplex 5A, Ogna type; EPIDERMOLYSIS BULLOSA SIMPLEX 5A, OGNA TYPE. Identifiers: Orphanet 79401, MedGen C0432317, MONDO:0007555, OMIM 131950.
Epidermolysis bullosa simplex with nail dystrophy (EBS5D). Identifiers: MedGen C4225309, MONDO:0014661, OMIM 616487.
Epidermolysis bullosa simplex 5C, with pyloric atresia (EBS5C). Also called: PLEC-Related Epidermolysis Bullosa with Pyloric Atresia; Epidermolysis bullosa simplex with pyloric atresia; PLEC1-Related Epidermolysis Bullosa with Pyloric Atresia. Identifiers: Orphanet 158684, MedGen C2677349, MONDO:0012807, OMIM 612138.
Epidermolysis bullosa simplex 5B, with muscular dystrophy (EBS5B). Also called: EPIDERMOLYSIS BULLOSA SIMPLEX AND LIMB-GIRDLE MUSCULAR DYSTROPHY; Epidermolysis bullosa simplex with muscular dystrophy. Identifiers: Orphanet 257, MedGen C2931072, MONDO:0009181, OMIM 226670.

Allele frequency attached by ClinVar (database versions not stated): gnomAD exomes 0.00002 and 0.00004; ExAC 0.00007; gnomAD 0.00010 and 0.00011; TOPMed 0.00014; 1000 Genomes Project 30x 0.00016; ESP Exome Variant Server 0.00017.
gnomAD v4.1: 46 of 1,596,900 alleles (0.0029%); highest among the groups gnomAD compares: African/African-American, 0.035%; no homozygotes.

Submissions (3):

PreventionGenetics, part of Exact Sciences
Classification: Uncertain significance for PLEC-related condition. Last evaluated: 2026-09-18. Review status: criteria provided, single submitter. Criteria: ACMG Guidelines, 2015. Collection method: clinical testing. Allele origin: germline.
Comment: The PLEC c.3764G>A variant is predicted to result in the amino acid substitution p.Arg1255Gln. To our knowledge, this variant has not been reported in the literature. This variant is reported in 0.027% of alleles in individuals of African descent in gnomAD. At this time, the clinical significance of this variant is uncertain due to the absence of conclusive functional and genetic evidence.

Labcorp Genetics (formerly Invitae), Labcorp
Classification: Uncertain significance for Autosomal recessive limb-girdle muscular dystrophy type 2Q; Epidermolysis bullosa simplex, Ogna type; Epidermolysis bullosa simplex with nail dystrophy; Epidermolysis bullosa simplex 5C, with pyloric atresia; Epidermolysis bullosa simplex 5B, with muscular dystrophy. Last evaluated: 2025-04-21. Review status: criteria provided, single submitter. Criteria: Invitae Variant Classification Sherloc (09022015). Collection method: clinical testing. Allele origin: germline.
Comment: This sequence change replaces arginine, which is basic and polar, with glutamine, which is neutral and polar, at codon 1255 of the PLEC protein (p.Arg1255Gln). This variant is present in population databases (rs201347953, gnomAD 0.03%). This variant has not been reported in the literature in individuals affected with PLEC-related conditions. ClinVar contains an entry for this variant (Variation ID: 864619). Invitae Evidence Modeling of protein sequence and biophysical properties (such as structural, functional, and spatial information, amino acid conservation, physicochemical variation, residue mobility, and thermodynamic stability) indicates that this missense variant is not expected to disrupt PLEC protein function with a negative predictive value of 80%. In summary, the available evidence is currently insufficient to determine the role of this variant in disease. Therefore, it has been classified as a Variant of Uncertain Significance.

Revvity Omics, Revvity
Classification: Likely benign. Last evaluated: 2024-09-10. Review status: criteria provided, single submitter. Criteria: ACMG Guidelines, 2015. Collection method: clinical testing. Allele origin: germline.